The following is an entry in ClinVar:

ClinVar aggregate classification (germline): Uncertain significance. Review status: criteria provided, multiple submitters, no conflicts (2 of 4 stars). 2 submissions from 2 submitters: Uncertain significance (2). Last evaluated 2023-04-28.

Conditions:
Tuberous sclerosis 2 (TSC2). Identifiers: Orphanet 805, MedGen C1860707, MONDO:0013199, OMIM 613254.
Hereditary cancer-predisposing syndrome. Also called: Neoplastic Syndromes, Hereditary; Hereditary Cancer Syndrome; Tumor predisposition; Hereditary neoplastic syndrome. Identifiers: Orphanet 140162, MedGen C0027672, MeSH D009386, MONDO:0015356.

Submissions (2):

Labcorp Genetics (formerly Invitae), Labcorp
Classification: Uncertain significance for Tuberous sclerosis 2. Last evaluated: 2023-04-28. Review status: criteria provided, single submitter. Criteria: Invitae Variant Classification Sherloc (09022015). Collection method: clinical testing. Allele origin: germline.
Comment: This sequence change replaces serine, which is neutral and polar, with threonine, which is neutral and polar, at codon 1334 of the TSC2 protein (p.Ser1334Thr). In summary, the available evidence is currently insufficient to determine the role of this variant in disease. Therefore, it has been classified as a Variant of Uncertain Significance. Advanced modeling of protein sequence and biophysical properties (such as structural, functional, and spatial information, amino acid conservation, physicochemical variation, residue mobility, and thermodynamic stability) performed at Invitae indicates that this missense variant is not expected to disrupt TSC2 protein function. This variant has not been reported in the literature in individuals affected with TSC2-related conditions. This variant is not present in population databases (gnomAD no frequency).

Ambry Genetics
Classification: Uncertain significance for Hereditary cancer-predisposing syndrome. Last evaluated: 2023-04-03. Review status: criteria provided, single submitter. Criteria: Ambry Variant Classification Scheme 2023. Collection method: clinical testing. Allele origin: germline.
Comment: The p.S1334T variant (also known as c.4001G>C), located in coding exon 32 of the TSC2 gene, results from a G to C substitution at nucleotide position 4001. The serine at codon 1334 is replaced by threonine, an amino acid with similar properties. This amino acid position is conserved. In addition, the in silico prediction for this alteration is inconclusive. Since supporting evidence is limited at this time, the clinical significance of this alteration remains unclear.

NM_000548.5(TSC2):c.4001G>C (p.Ser1334Thr)

Gene: TSC2 (TSC complex subunit 2; plus strand). Cytogenetic location: 16p13.3.
Variant type: single nucleotide variant.
Coding change: c.4001G>C on transcript NM_000548.5 (MANE Select); coding-DNA position 4001, G replaced by C.
Protein change: p.Ser1334Thr; replaces serine 1334 with threonine.
Molecular consequence: missense variant. On other transcripts: non-coding transcript variant (5).
Genome position (GRCh38, 1-based): chr16:2,083,812, G>C. VCF-style: chr16-2083812-G-C. GRCh37 (hg19) VCF-style: chr16-2133813-G-C.
Other names: c.2456G>C, p.Ser819Thr (NM_001406697.1, NM_001406695.1, NM_001406696.1); c.2198G>C, p.Ser733Thr (NM_001406698.1); c.3872G>C, p.Ser1291Thr (NM_021055.3, NM_001370405.1); c.3800G>C, p.Ser1267Thr (NM_001077183.3); c.3932G>C, p.Ser1311Thr (NM_001114382.3); c.3692G>C, p.Ser1231Thr (NM_001318827.2); c.3656G>C, p.Ser1219Thr (NM_001318829.2); c.3269G>C, p.Ser1090Thr (NM_001318831.2); and 26 more; short protein forms S1067T, S1218T, S1219T, S1263T, S1267T, S1274T, S1278T, S1311T.
Identifiers: ClinVar variation 2564629 (VCV002564629.5), dbSNP rs1060500964, ClinGen allele CA394297844.